The following is an entry in ClinVar:

ClinVar aggregate classification (germline): Likely benign (0 of 4 stars; one submission).

Conditions:
OGDHL-related disorder. Also called: OGDHL-related condition.

Allele frequency attached by ClinVar (database versions not stated): gnomAD 0.00002; TOPMed 0.00009; ExAC 0.00019.
gnomAD v4.1: 75 of 1,614,020 alleles (0.0046%); highest among the groups gnomAD compares: Admixed American, 0.095%; no homozygotes.

Submission:

PreventionGenetics, part of Exact Sciences
Classification: Likely benign for OGDHL-related condition. Last evaluated: 2019-04-08. Review status: no assertion criteria provided. Collection method: clinical testing. Allele origin: germline.
Comment: This variant is classified as likely benign based on ACMG/AMP sequence variant interpretation guidelines (Richards et al. 2015 PMID: 25741868, with internal and published modifications).

NM_018245.3(OGDHL):c.1194C>T (p.Asp398=)

Gene: OGDHL (oxoglutarate dehydrogenase L; minus strand). Cytogenetic location: 10q11.23.
Variant type: single nucleotide variant.
Coding change: c.1194C>T on transcript NM_018245.3 (MANE Select); coding-DNA position 1194, C replaced by T.
Protein change: p.Asp398=; no amino-acid change (aspartic acid 398 retained).
Molecular consequence: synonymous variant. On other transcripts: non-coding transcript variant (5).
Genome position (GRCh38, 1-based): chr10:49,746,852, G>A on the plus strand (C>T on the coding strand, the complement: OGDHL is on the minus strand). VCF-style: chr10-49746852-G-A. GRCh37 (hg19) VCF-style: chr10-50954898-G-A.
Other names: c.1023C>T, p.Asp341= (NM_001143996.2, NM_001347820.1); c.567C>T, p.Asp189= (NM_001143997.2, NM_001347821.2, NM_001347822.1 and 1 more transcripts); c.1194C>T, p.Asp398= (NM_001347819.1, NM_001347823.1, NM_001347824.2); c.177C>T, p.Asp59= (NM_001347826.1).
Identifiers: ClinVar variation 3051044 (VCV003051044.2), dbSNP rs200976388, ClinGen allele CA5498652.